The following is an entry in ClinVar:

NM_182931.3(KMT2E):c.3554C>T (p.Ser1185Leu)

Gene: KMT2E (lysine methyltransferase 2E (inactive); plus strand). Cytogenetic location: 7q22.3.
Variant type: single nucleotide variant.
Coding change: c.3554C>T on transcript NM_182931.3 (MANE Select); coding-DNA position 3554, C replaced by T.
Protein change: p.Ser1185Leu; replaces serine 1185 with leucine.
Molecular consequence: missense variant.
Genome position (GRCh38, 1-based): chr7:105,109,027, C>T. VCF-style: chr7-105109027-C-T. GRCh37 (hg19) VCF-style: chr7-104749474-C-T.
Other names: c.3554C>T, p.Ser1185Leu (NM_001410908.1, NM_018682.4); short protein forms S1185L.
Identifiers: ClinVar variation 2047530 (VCV002047530.8), dbSNP rs186916831, ClinGen allele CA4424514.

ClinVar aggregate classification (germline): Conflicting classifications of pathogenicity. Review status: criteria provided, conflicting classifications (1 of 4 stars). 4 submissions from 4 submitters: Uncertain significance (1); Likely benign (2). 1 of the submissions does not count toward it. Last evaluated 2026-08-01.

Conditions:
KMT2E-related disorder. Also called: KMT2E-related condition.
Inborn genetic diseases. Identifiers: MedGen C0950123, MeSH D030342.

Allele frequency attached by ClinVar (database versions not stated): gnomAD exomes 0.00012; gnomAD 0.00016; ExAC 0.00017; TOPMed 0.00029; 1000 Genomes Project 0.00040; 1000 Genomes Project 30x 0.00062.
gnomAD v4.1: 201 of 1,614,124 alleles (0.012%); highest among the groups gnomAD compares: Admixed American, 0.11%; no homozygotes.

Submissions (4):

CeGaT Center for Human Genetics Tuebingen
Classification: Likely benign. Last evaluated: 2026-08-01. Review status: criteria provided, single submitter. Criteria: CeGaT Center For Human Genetics Tuebingen Variant Classification Criteria Version 2. Collection method: clinical testing. Allele origin: germline. Affected: yes. Observed: 2 variant alleles.
Comment: KMT2E: BS1

Labcorp Genetics (formerly Invitae), Labcorp
Classification: Likely benign. Last evaluated: 2026-02-01. Review status: criteria provided, single submitter. Criteria: Invitae Variant Classification Sherloc (09022015). Collection method: clinical testing. Allele origin: germline.

Ambry Genetics
Classification: Uncertain significance for Inborn genetic diseases. Last evaluated: 2020-11-18. Review status: criteria provided, single submitter. Criteria: Ambry Variant Classification Scheme 2023. Collection method: clinical testing. Allele origin: germline.
Comment: The c.3554C>T (p.S1185L) alteration is located in exon 23 (coding exon 21) of the KMT2E gene. This alteration results from a C to T substitution at nucleotide position 3554, causing the serine (S) at amino acid position 1185 to be replaced by a leucine (L). Based on data from the Genome Aggregation Database (gnomAD) database, the KMT2E c.3554C>T alteration was observed in 0.02% (66/282404) of total alleles studied, with a frequency of 0.12% (41/35428) in the Latino subpopulation. This amino acid position is well conserved in available vertebrate species. The p.S1185L alteration is predicted to be tolerated by in silico analysis. Based on insufficient or conflicting evidence, the clinical significance of this alteration remains unclear.

PreventionGenetics, part of Exact Sciences
Classification: Likely benign for KMT2E-related condition. Last evaluated: 2022-03-31. Review status: no assertion criteria provided. Collection method: clinical testing. Allele origin: germline. Not counted in ClinVar's aggregate classification.
Comment: This variant is classified as likely benign based on ACMG/AMP sequence variant interpretation guidelines (Richards et al. 2015 PMID: 25741868, with internal and published modifications).